The following is an entry in ClinVar:

ClinVar aggregate classification (germline): Uncertain significance (1 of 4 stars; one submission).

Submission:

GeneDx
Classification: Uncertain significance. Last evaluated: 2024-01-30. Review status: criteria provided, single submitter. Criteria: GeneDx Variant Classification Process June 2021. Collection method: clinical testing. Allele origin: germline. Affected: yes.
Comment: Not observed at significant frequency in large population cohorts (gnomAD); In silico analysis supports that this missense variant has a deleterious effect on protein structure/function; Has not been previously published as pathogenic or benign to our knowledge

NM_015215.4(CAMTA1):c.3683C>T (p.Pro1228Leu)

Genes: CAMTA1 (calmodulin binding transcription activator 1; plus strand), LOC126805603 (CDK7 strongly-dependent group 2 enhancer GRCh37_chr1:7798026-7799225; plus strand). Cytogenetic location: 1p36.23.
Variant type: single nucleotide variant.
Coding change: c.3683C>T on transcript NM_015215.4 (MANE Select); coding-DNA position 3683, C replaced by T.
Protein change: p.Pro1228Leu; replaces proline 1228 with leucine.
Molecular consequence: missense variant. On other transcripts: intron variant (13).
Genome position (GRCh38, 1-based): chr1:7,737,983, C>T. VCF-style: chr1-7737983-C-T. GRCh37 (hg19) VCF-style: chr1-7798043-C-T.
Other names: c.3593C>T, p.Pro1198Leu (NM_001349608.2); c.812C>T, p.Pro271Leu (NM_001349613.1); c.755C>T, p.Pro252Leu (NM_001349614.1, NM_001349615.2, NM_001349616.2 and 2 more transcripts); c.3659-315C>T (NM_001349609.2, NM_001349610.2, NM_001410737.1); c.3587-315C>T (NM_001410738.1); c.3569-315C>T (NM_001349612.2); c.731-315C>T (NM_001349620.1, NM_001349621.1, NM_001349625.2 and 5 more transcripts); short protein forms P1198L, P1228L, P252L, P271L.
Identifiers: ClinVar variation 3368538 (VCV003368538.1).